The following is an entry in ClinVar:

ClinVar aggregate classification (germline): Uncertain significance (1 of 4 stars; one submission).

Conditions:
Cardiovascular phenotype. Identifiers: MedGen CN230736.

Submission:

Ambry Genetics
Classification: Uncertain significance for Cardiovascular phenotype. Last evaluated: 2025-06-10. Review status: criteria provided, single submitter. Criteria: Ambry Variant Classification Scheme 2023. Collection method: clinical testing. Allele origin: germline.
Comment: The p.F618S variant (also known as c.1853T>C), located in coding exon 19 of the EYA4 gene, results from a T to C substitution at nucleotide position 1853. The phenylalanine at codon 618 is replaced by serine, an amino acid with highly dissimilar properties. This amino acid position is conserved. In addition, this alteration is predicted to be deleterious by in silico analysis. Based on the available evidence, the clinical significance of this variant remains unclear.

NM_004100.5(EYA4):c.1853T>C (p.Phe618Ser)

Genes: EYA4 (EYA transcriptional coactivator and phosphatase 4; plus strand), TARID (TCF21 antisense RNA inducing promoter demethylation; minus strand). Cytogenetic location: 6q23.2.
Variant type: single nucleotide variant.
Coding change: c.1853T>C on transcript NM_004100.5 (MANE Select); coding-DNA position 1853, T replaced by C.
Protein change: p.Phe618Ser; replaces phenylalanine 618 with serine.
Molecular consequence: missense variant.
Genome position (GRCh38, 1-based): chr6:133,528,738, T>C. VCF-style: chr6-133528738-T-C. GRCh37 (hg19) VCF-style: chr6-133849876-T-C.
Other names: c.1691T>C, p.Phe564Ser (NM_001301012.2); c.1871T>C, p.Phe624Ser (NM_001301013.2); c.1784T>C, p.Phe595Ser (NM_001370458.1, NM_172103.4); c.1709T>C, p.Phe570Ser (NM_001370459.1); c.1853T>C, p.Phe618Ser (NM_172105.4); short protein forms F570S, F624S, F564S, F595S, F618S.
Identifiers: ClinVar variation 4020620 (VCV004020620.1).